The following is an entry in ClinVar:

ClinVar aggregate classification (germline): Benign. Review status: criteria provided, multiple submitters, no conflicts (2 of 4 stars). 4 submissions from 4 submitters: Benign (3). 1 of the submissions does not count toward it. Last evaluated 2026-01-27.

Conditions:
KATNIP-related disorder. Also called: KATNIP-related condition.

Allele frequency attached by ClinVar (database versions not stated): gnomAD exomes 0.00086; ExAC 0.00112; gnomAD 0.00306 and 0.00329; 1000 Genomes Project 0.00359; TOPMed 0.00366; 1000 Genomes Project 30x 0.00406; ESP Exome Variant Server 0.00408.
gnomAD v4.1: 891 of 1,614,170 alleles (0.055%); highest among the groups gnomAD compares: African/African-American, 1%; 9 homozygotes.

Submissions (4):

Labcorp Genetics (formerly Invitae), Labcorp
Classification: Benign. Last evaluated: 2026-01-27. Review status: criteria provided, single submitter. Criteria: Invitae Variant Classification Sherloc (09022015). Collection method: clinical testing. Allele origin: germline.

Mayo Clinic Laboratories, Mayo Clinic
Classification: Benign. Last evaluated: 2024-12-16. Review status: criteria provided, single submitter. Criteria: ACMG Guidelines, 2015. Collection method: clinical testing. Allele origin: germline. Observed: 1 variant allele.
Comment: BS1, BS2, BP4_moderate

Breakthrough Genomics
Classification: Benign. Review status: criteria provided, single submitter. Criteria: ACMG Guidelines, 2015. Collection method: not provided. Allele origin: germline. Inheritance: Autosomal recessive inheritance. Affected: yes.

PreventionGenetics, part of Exact Sciences
Classification: Benign for KATNIP-related condition. Last evaluated: 2024-06-04. Review status: no assertion criteria provided. Collection method: clinical testing. Allele origin: germline. Not counted in ClinVar's aggregate classification.
Comment: This variant is classified as benign based on ACMG/AMP sequence variant interpretation guidelines (Richards et al. 2015 PMID: 25741868, with internal and published modifications).

NM_015202.5(KATNIP):c.2252C>T (p.Thr751Ile)

Gene: KATNIP (katanin interacting protein; plus strand). Cytogenetic location: 16p12.1.
Variant type: single nucleotide variant.
Coding change: c.2252C>T on transcript NM_015202.5 (MANE Select); coding-DNA position 2252, C replaced by T.
Protein change: p.Thr751Ile; replaces threonine 751 with isoleucine.
Molecular consequence: missense variant.
Genome position (GRCh38, 1-based): chr16:27,740,549, C>T. VCF-style: chr16-27740549-C-T. GRCh37 (hg19) VCF-style: chr16-27751870-C-T.
Other names: p.Thr751Ile; c.2252C>T (NM_015202.3, NM_015202.4); short protein forms T751I.
Identifiers: ClinVar variation 720507 (VCV000720507.12), dbSNP rs150497657, ClinGen allele CA7977925.